The following is an entry in ClinVar:

ClinVar aggregate classification (germline): Pathogenic (1 of 4 stars; one submission).

Submission:

Labcorp Genetics (formerly Invitae), Labcorp
Classification: Pathogenic. Last evaluated: 2024-08-14. Review status: criteria provided, single submitter. Criteria: Invitae Variant Classification Sherloc (09022015). Collection method: clinical testing. Allele origin: germline.
Comment: This sequence change creates a premature translational stop signal (p.Arg171*) in the SAR1B gene. While this is not anticipated to result in nonsense mediated decay, it is expected to disrupt the last 28 amino acid(s) of the SAR1B protein. This variant is not present in population databases (gnomAD no frequency). This variant has not been reported in the literature in individuals affected with SAR1B-related conditions. Algorithms developed to predict the effect of sequence changes on RNA splicing suggest that this variant may disrupt the consensus splice site. This variant disrupts a region of the SAR1B protein in which other variant(s) (p.Ser179Arg) have been determined to be pathogenic (PMID: 17945526). This suggests that this is a clinically significant region of the protein, and that variants that disrupt it are likely to be disease-causing. For these reasons, this variant has been classified as Pathogenic.

Literature cited by the submitters: PubMed 17945526.

NM_016103.4(SAR1B):c.511C>T (p.Arg171Ter)

Gene: SAR1B (secretion associated Ras related GTPase 1B; minus strand). Cytogenetic location: 5q31.1.
Variant type: single nucleotide variant.
Coding change: c.511C>T on transcript NM_016103.4 (MANE Select); coding-DNA position 511, C replaced by T.
Protein change: p.Arg171Ter; replaces arginine 171 with a stop codon.
Molecular consequence: nonsense.
Genome position (GRCh38, 1-based): chr5:134,607,036, G>A on the plus strand (C>T on the coding strand, the complement: SAR1B is on the minus strand). VCF-style: chr5-134607036-G-A. GRCh37 (hg19) VCF-style: chr5-133942726-G-A.
Other names: c.511C>T, p.Arg171Ter (NM_001033503.3); short protein forms R171*.
Identifiers: ClinVar variation 3622541 (VCV003622541.2).